The following is an entry in ClinVar:

ClinVar aggregate classification (germline): Uncertain significance (1 of 4 stars; one submission).

Submission:

GeneDx
Classification: Uncertain significance. Last evaluated: 2023-07-24. Review status: criteria provided, single submitter. Criteria: GeneDx Variant Classification Process June 2021. Collection method: clinical testing. Allele origin: germline. Affected: yes.
Comment: Not observed at significant frequency in large population cohorts (gnomAD); In silico analysis supports that this missense variant has a deleterious effect on protein structure/function; Has not been previously published as pathogenic or benign to our knowledge

NM_003221.4(TFAP2B):c.256T>A (p.Tyr86Asn)

Gene: TFAP2B (transcription factor AP-2 beta; plus strand). Cytogenetic location: 6p12.3.
Variant type: single nucleotide variant.
Coding change: c.256T>A on transcript NM_003221.4 (MANE Select); coding-DNA position 256, T replaced by A.
Protein change: p.Tyr86Asn; replaces tyrosine 86 with asparagine.
Molecular consequence: missense variant.
Genome position (GRCh38, 1-based): chr6:50,823,581, T>A. VCF-style: chr6-50823581-T-A. GRCh37 (hg19) VCF-style: chr6-50791294-T-A.
Other names: short protein forms Y86N.
Identifiers: ClinVar variation 2506686 (VCV002506686.2), dbSNP rs2533108154, ClinGen allele CA364412360.